The following is an entry in ClinVar:

NM_001190787.3(MCIDAS):c.235del (p.Leu79fs)

Gene: MCIDAS (multiciliate differentiation and DNA synthesis associated cell cycle protein; minus strand). Cytogenetic location: 5q11.2.
Variant type: Deletion.
Coding change: c.235del on transcript NM_001190787.3 (MANE Select); coding-DNA position 235, one base deleted (C; older notation c.235delC).
Protein change: p.Leu79fs; shifts the reading frame from leucine 79.
Molecular consequence: frameshift variant.
Genome position (GRCh38, 1-based): chr5:55,226,650, G deleted on the plus strand (C on the coding strand, the reverse complement: MCIDAS is on the minus strand); the first of 2 consecutive G bases (chr5:55,226,650-55,226,651); deleting either gives the same sequence. VCF-style (leftmost placement, unchanged base first): chr5-55226649-AG-A. GRCh37 (hg19) VCF-style: chr5-54522477-AG-A.
Other names: short protein forms L79fs.
Identifiers: ClinVar variation 1398758 (VCV001398758.6), dbSNP rs2111702150, ClinGen allele CA2573139714.
Genomic context (GRCh38, chr5:55,226,649, plus strand): 5'-AGGTCACCACCAGGCGGCGCGTCGGACCCGAGTAGCGAAGAGCAGTCAGCGAGGTCCTGC[AG>A]GTCTATGGTGGTGAGGGCTGCGCGGGGAGACCGGGAGACACGCGCCGGGCGGGCCCTGAG-3'

ClinVar aggregate classification (germline): Pathogenic (1 of 4 stars; one submission).

Conditions:
Primary ciliary dyskinesia. Also called: Ciliary dyskinesia. Identifiers: Orphanet 244, MedGen C0008780, MONDO:0016575, HP:0012265.

Submission:

Labcorp Genetics (formerly Invitae), Labcorp
Classification: Pathogenic for Primary ciliary dyskinesia. Last evaluated: 2022-10-16. Review status: criteria provided, single submitter. Criteria: Invitae Variant Classification Sherloc (09022015). Collection method: clinical testing. Allele origin: germline.
Comment: For these reasons, this variant has been classified as Pathogenic. ClinVar contains an entry for this variant (Variation ID: 1398758). This variant has not been reported in the literature in individuals affected with MCIDAS-related conditions. This variant is not present in population databases (gnomAD no frequency). This sequence change creates a premature translational stop signal (p.Leu79Cysfs*54) in the MCIDAS gene. It is expected to result in an absent or disrupted protein product. Loss-of-function variants in MCIDAS are known to be pathogenic (PMID: 25048963).

Literature cited by the submitters: PubMed 25048963.